The following is an entry in ClinVar:

ClinVar aggregate classification (germline): Pathogenic (1 of 4 stars; one submission).

Conditions:
Intellectual developmental disorder, autosomal dominant 64. Also called: MENTAL RETARDATION, AUTOSOMAL DOMINANT 64. Identifiers: MedGen C5543067, MONDO:0030934, OMIM 619188.

Submission:

Pittsburgh Clinical Genomics Laboratory, University of Pittsburgh Medical Center
Classification: Pathogenic for Intellectual developmental disorder, autosomal dominant 64. Last evaluated: 2023-10-10. Review status: criteria provided, single submitter. Criteria: ACMG Guidelines, 2015. Collection method: clinical testing. Allele origin: germline. Inheritance: Autosomal dominant inheritance. Affected: yes.
Comment: This sequence variant is a single nucleotide duplication at coding position 3915 in the ZNF292 gene which results in a frameshift and early termition sigl at codon 1306. This variant occurs in the last of 8 exons in the ZNF292 gene; it is predicted to be a non-functiol allele, due to the truncation of ~52% of the protein sequence, including several essential functiol domains (UniProt). This novel and de novo variant is absent from ClinVar, publications, and the gnomAD population database (0/~267000 alleles). Haploinsufficiency in ZNF292 is a known mechanism of disease. Based upon the evidence, we consider this variant to be pathogenic. ACMG Criteria: PM2, PS2, PVS1

NM_015021.3(ZNF292):c.3915dup (p.Asn1306Ter)

Gene: ZNF292 (zinc finger protein 292; plus strand). Cytogenetic location: 6q14.3.
Variant type: Duplication.
Coding change: c.3915dup on transcript NM_015021.3 (MANE Select); coding-DNA position 3915, one base duplicated (T; older notation c.3915dupT).
Protein change: p.Asn1306Ter; replaces asparagine 1306 with a stop codon.
Molecular consequence: nonsense.
Genome position (GRCh38, 1-based): chr6:87,257,544, T duplicated. VCF-style (leftmost placement, unchanged base first): chr6-87257543-C-CT. GRCh37 (hg19) VCF-style: chr6-87967261-C-CT.
Other names: c.3495dup, p.Asn1166Ter (NM_001351444.2); short protein forms N1166*, N1306*.
Identifiers: ClinVar variation 3376205 (VCV003376205.1).